The following is an entry in ClinVar:

NM_000016.6(ACADM):c.946-2dup

Gene: ACADM (acyl-CoA dehydrogenase medium chain; plus strand). Cytogenetic location: 1p31.1.
Variant type: Duplication.
Coding change: c.946-2dup on transcript NM_000016.6 (MANE Select); the canonical splice acceptor site of the intron before coding-DNA position 946, one base duplicated (A; older notation c.946-2dupA).
Molecular consequence: splice acceptor variant.
Genome position (GRCh38, 1-based): chr1:75,761,120, A duplicated. VCF-style (leftmost placement, unchanged base first): chr1-75761119-T-TA. GRCh37 (hg19) VCF-style: chr1-76226804-T-TA.
Other names: c.958-2dup (NM_001127328.3); c.1045-2dup (NM_001286043.2); c.838-2dup (NM_001286042.2); c.379-2dup (NM_001286044.2); c.946-2dupA (NM_000016.6).
Identifiers: ClinVar variation 1014769 (VCV001014769.11), dbSNP rs1648822448, ClinGen allele CA1176726797.
Genomic context (GRCh38, chr1:75,761,119, plus strand): 5'-CCAGGAAAAAACTTTTAAGTTTTCTCAATAAATATCCTTTAATTTTTTTCTTTTTAATTC[T>TA]AGCACCAAGCAATATCATTTATGCTGGCTGAAATGGCAATGAAAGTTGAACTAGCTAGAA-3'

ClinVar aggregate classification (germline): Uncertain significance. Review status: criteria provided, multiple submitters, no conflicts (2 of 4 stars). 3 submissions from 3 submitters: Uncertain significance (2). 1 of the submissions does not count toward it. Last evaluated 2025-10-22.

Conditions:
Medium-chain acyl-coenzyme A dehydrogenase deficiency (ACADMD). Also called: MCADH DEFICIENCY; MCADD; Medium chain acyl-CoA dehydrogenase deficiency; MCAD Deficiency; ACADM DEFICIENCY; CARNITINE DEFICIENCY SECONDARY TO MEDIUM-CHAIN ACYL-CoA DEHYDROGENASE DEFICIENCY. Identifiers: Orphanet 42, MedGen C0220710, MONDO:0008721, OMIM 201450.

Allele frequency attached by ClinVar (database versions not stated): gnomAD exomes below 0.00001.

Submissions (3):

Women's Health and Genetics/Laboratory Corporation of America, LabCorp
Classification: Uncertain significance. Last evaluated: 2025-10-22. Review status: criteria provided, single submitter. Criteria: LabCorp Variant Classification Summary - May 2015. Collection method: clinical testing. Allele origin: germline.
Comment: Variant summary: ACADM c.946-2dupA alters a conserved nucleotide located close to a canonical splice site and therefore could affect mRNA splicing, leading to a significantly altered protein sequence. Several computational tools predict a significant impact on normal splicing: One predicts the variant no significant impact on splicing. Two predict the variant weakens a 3' acceptor site. One predicts the variant abolishes a 3' acceptor site. However, these predictions have yet to be confirmed by functional studies. The variant was absent in 250214 control chromosomes. The available data on variant occurrences in the general population are insufficient to allow any conclusion about variant significance. To our knowledge, no occurrence of c.946-2dupA in individuals affected with ACADM-related conditions and no experimental evidence demonstrating its impact on protein function have been reported. ClinVar contains an entry for this variant (Variation ID: 1014769). Based on the evidence outlined above, the variant was classified as uncertain significance.

Labcorp Genetics (formerly Invitae), Labcorp
Classification: Uncertain significance for Medium-chain acyl-coenzyme A dehydrogenase deficiency. Last evaluated: 2021-12-07. Review status: criteria provided, single submitter. Criteria: Invitae Variant Classification Sherloc (09022015). Collection method: clinical testing. Allele origin: germline.
Comment: This sequence change falls in intron 10 of the ACADM gene. It does not directly change the encoded amino acid sequence of the ACADM protein. It affects a nucleotide within the consensus splice site. This variant is not present in population databases (gnomAD no frequency). This variant has not been reported in the literature in individuals affected with ACADM-related conditions. ClinVar contains an entry for this variant (Variation ID: 1014769). Variants that disrupt the consensus splice site are a relatively common cause of aberrant splicing (PMID: 17576681, 9536098). Algorithms developed to predict the effect of sequence changes on RNA splicing suggest that this variant may disrupt the consensus splice site. In summary, the available evidence is currently insufficient to determine the role of this variant in disease. Therefore, it has been classified as a Variant of Uncertain Significance.

Natera, Inc.
Classification: Uncertain significance for Medium Chain Acyl-CoA Dehydrogenase Deficiency. Last evaluated: 2021-03-25. Review status: no assertion criteria provided. Collection method: clinical testing. Allele origin: germline. Not counted in ClinVar's aggregate classification.

Literature cited by the submitters: PubMed 17576681 (cited by Labcorp Genetics (formerly Invitae), Labcorp); PubMed 9536098 (cited by Labcorp Genetics (formerly Invitae), Labcorp).